The following is an entry in ClinVar:

ClinVar aggregate classification (germline): Pathogenic. Review status: criteria provided, multiple submitters, no conflicts (2 of 4 stars). 7 submissions from 7 submitters: Pathogenic (4). 3 of the submissions do not count toward it. Last evaluated 2025-08-13.

Conditions:
Cohen syndrome (COH1). Also called: PEPPER SYNDROME; Cutis verticis gyrata, retinitis pigmentosa, and sensorineural deafness. Identifiers: Orphanet 193, MedGen C0265223, MONDO:0008999, OMIM 216550.

Submissions (7):

Labcorp Genetics (formerly Invitae), Labcorp
Classification: Pathogenic for Cohen syndrome. Last evaluated: 2025-08-13. Review status: criteria provided, single submitter. Criteria: Invitae Variant Classification Sherloc (09022015). Collection method: clinical testing. Allele origin: germline.
Comment: This sequence change creates a premature translational stop signal (p.Ile1937Cysfs*11) in the VPS13B gene. It is expected to result in an absent or disrupted protein product. Loss-of-function variants in VPS13B are known to be pathogenic (PMID: 15141358, 16648375, 20461111). This variant is present in population databases (rs779987157, gnomAD 0.02%). This premature translational stop signal has been observed in individual(s) with VPS13B-related conditions (PMID: 15691367). ClinVar contains an entry for this variant (Variation ID: 56678). For these reasons, this variant has been classified as Pathogenic.

Natera, Inc.
Classification: Pathogenic for Cohen syndrome. Last evaluated: 2024-09-15. Review status: criteria provided, single submitter. Criteria: Natera Variant Classification Schema (03/2026). Collection method: clinical testing. Allele origin: germline.
Comment: The c.5809_5810delAT variant in VPS13B is a frameshift variant predicted to shift the reading frame beginning at codon 1937 and leads to a stop codon 11 codons downstream. This variant is expected to result in nonsense mediated decay, truncation, or a dysfunctional protein product. This variant is rare in the general population with a frequency below the threshold expected for the associated phenotype(s). This variant has been observed in one or more individuals affected with the associated recessive disease, as either homozygous or compound heterozygous with a second variant (PMID: 15691367). Additionally, this variant has been observed to segregate in affected family members (PMID: 15691367). Given the available evidence, this variant is classified as Pathogenic.

Fulgent Genetics
Classification: Pathogenic for Cohen syndrome. Last evaluated: 2024-05-06. Review status: criteria provided, single submitter. Criteria: ACMG Guidelines, 2015. Collection method: clinical testing. Allele origin: germline.

3billion
Classification: Pathogenic for Cohen syndrome. Last evaluated: 2023-06-22. Review status: criteria provided, single submitter. Criteria: ACMG Guidelines, 2015. Collection method: clinical testing. Allele origin: germline. Affected: yes.
Comment: The variant is observed at an extremely low frequency in the gnomAD v2.1.1 dataset (total allele frequency: <0.001%). Predicted Consequence/Location: Frameshift: predicted to result in a loss or disruption of normal protein function through nonsense-mediated decay (NMD) or protein truncation. Multiple pathogenic variants are reported downstream of the variant. The variant has been reported to be in trans with a pathogenic variant as either compound heterozygous or homozygous in at least one similarly affected unrelated individual (3billion dataset). The variant has been reported to co-segregate with the disease in at least one similarly affected relative/individual in the same family or similarly affected unrelated family (PMID: 15691367). The variant has been reported at least twice as pathogenic with clinical assertions and evidence for the classification (ClinVar ID: VCV000056678 /PMID: 15691367 /3billion dataset). Therefore, this variant is classified as Pathogenic according to the recommendation of ACMG/AMP guideline.

Counsyl
Classification: Likely pathogenic for Cohen syndrome. Last evaluated: 2014-09-30. Review status: no assertion criteria provided. Collection method: literature only. Allele origin: unknown. Inheritance: Autosomal recessive inheritance. Not counted in ClinVar's aggregate classification.

Department of Rehabilitation Medicine, Incheon St. Mary’s Hospital, College of Medicine, The Catholic University of Korea
Classification: Pathogenic for Cohen syndrome. Review status: no assertion criteria provided. Collection method: clinical testing. Allele origin: maternal. Affected: yes. Not counted in ClinVar's aggregate classification.

Juha Muilu Group; Institute for Molecular Medicine Finland (FIMM)
Classification: Likely pathogenic for Cohen syndrome. Review status: no assertion criteria provided. Collection method: not provided. Allele origin: unknown. Not counted in ClinVar's aggregate classification.
Comment: FinDis database variant: This variant was not found or characterized by our laboratory, data were collected from public sources: see reference
ClinVar note: Converted during submission from probable-pathogenic to Likely pathogenic.

Literature cited by the submitters: PubMed 15141358 (cited by Labcorp Genetics (formerly Invitae), Labcorp); PubMed 16648375 (cited by Labcorp Genetics (formerly Invitae), Labcorp); PubMed 20461111 (cited by Labcorp Genetics (formerly Invitae), Labcorp); PubMed 15691367 (cited by 4 submitters).

NM_152564.5(VPS13B):c.5734_5735del (p.Ile1912fs)

Gene: VPS13B (vacuolar protein sorting 13 homolog B; plus strand). Cytogenetic location: 8q22.2.
Variant type: Deletion.
Coding change: c.5734_5735del on transcript NM_152564.5 (MANE Select); coding-DNA positions 5734 to 5735, 2 bases deleted (AT; older notation c.5734_5735delAT).
Protein change: p.Ile1912fs; shifts the reading frame from isoleucine 1912.
Molecular consequence: frameshift variant.
Genome position (GRCh38, 1-based): chr8:99,642,324-99,642,325, AT deleted; deleting any 2 consecutive bases within chr8:99,642,323-99,642,325 gives the same sequence; the c. name uses the placement nearest the transcript's 3' end. VCF-style (leftmost placement, unchanged base first): chr8-99642322-CTA-C. GRCh37 (hg19) VCF-style: chr8-100654550-CTA-C.
Other names: c.5809_5810del, p.Ile1937fs (NM_017890.5); c.5809_5810delAT (NM_017890.4); c.5809_5810del (NM_017890.4); short protein forms I1912fs, I1937fs.
Identifiers: ClinVar variation 56678 (VCV000056678.19), dbSNP rs386834098, ClinGen allele CA264104.